The following is an entry in ClinVar:

NM_181507.2(HPS5):c.2232T>A (p.Cys744Ter)

Gene: HPS5 (HPS5 biogenesis of lysosomal organelles complex 2 subunit 2; minus strand). Cytogenetic location: 11p15.1.
Variant type: single nucleotide variant.
Coding change: c.2232T>A on transcript NM_181507.2 (MANE Select); coding-DNA position 2232, T replaced by A.
Protein change: p.Cys744Ter; replaces cysteine 744 with a stop codon.
Molecular consequence: nonsense.
Genome position (GRCh38, 1-based): chr11:18,291,650, A>T on the plus strand (T>A on the coding strand, the complement: HPS5 is on the minus strand). VCF-style: chr11-18291650-A-T. GRCh37 (hg19) VCF-style: chr11-18313197-A-T.
Other names: c.1890T>A, p.Cys630Ter (NM_007216.4, NM_181508.2); short protein forms C630*, C744*.
Identifiers: ClinVar variation 1931068 (VCV001931068.5), dbSNP rs201669763, ClinGen allele CA218538700.

ClinVar aggregate classification (germline): Pathogenic (1 of 4 stars; one submission).

Allele frequency attached by ClinVar (database versions not stated): gnomAD 0.00001; TOPMed 0.00001.
gnomAD v4.1: 3 of 1,614,078 alleles (0.00019%); highest among the groups gnomAD compares: Non-Finnish European, 0.00025%; no homozygotes.

Submission:

Labcorp Genetics (formerly Invitae), Labcorp
Classification: Pathogenic. Last evaluated: 2023-10-13. Review status: criteria provided, single submitter. Criteria: Invitae Variant Classification Sherloc (09022015). Collection method: clinical testing. Allele origin: germline.
Comment: This sequence change creates a premature translational stop signal (p.Cys744*) in the HPS5 gene. It is expected to result in an absent or disrupted protein product. Loss-of-function variants in HPS5 are known to be pathogenic (PMID: 12548288, 15296495, 21833017, 26785811). This variant is present in population databases (rs201669763, gnomAD 0.007%). This premature translational stop signal has been observed in individual(s) with Hermansky‐Pudlak syndrome (PMID: 26806224). ClinVar contains an entry for this variant (Variation ID: 1931068). For these reasons, this variant has been classified as Pathogenic.

Literature cited by the submitters: PubMed 12548288; PubMed 15296495; PubMed 21833017; PubMed 26785811; PubMed 26806224.